The following is an entry in ClinVar:

ClinVar aggregate classification (germline): Pathogenic (1 of 4 stars; one submission).

Conditions:
Autosomal recessive limb-girdle muscular dystrophy type 2E (LGMDR4). Also called: MUSCULAR DYSTROPHY, LIMB-GIRDLE, AUTOSOMAL RECESSIVE 4. Identifiers: Orphanet 119, MedGen C1858593, MONDO:0011423, OMIM 604286. Disease mechanism: Affects gamma-sarcoglycan and also disrupts the integrity of the entire sarcoglycan complex..

Submission:

Labcorp Genetics (formerly Invitae), Labcorp
Classification: Pathogenic for Autosomal recessive limb-girdle muscular dystrophy type 2E. Last evaluated: 2024-01-26. Review status: criteria provided, single submitter. Criteria: Invitae Variant Classification Sherloc (09022015). Collection method: clinical testing. Allele origin: germline.
Comment: This sequence change creates a premature translational stop signal (p.Ser181Argfs*3) in the SGCB gene. It is expected to result in an absent or disrupted protein product. Loss-of-function variants in SGCB are known to be pathogenic (PMID: 15938573, 18285821). This variant is not present in population databases (gnomAD no frequency). This variant has not been reported in the literature in individuals affected with SGCB-related conditions. For these reasons, this variant has been classified as Pathogenic.

Literature cited by the submitters: PubMed 15938573; PubMed 18285821.

NM_000232.5(SGCB):c.543_547del (p.Ser181fs)

Gene: SGCB (sarcoglycan beta; minus strand). Cytogenetic location: 4q12.
Variant type: Deletion.
Coding change: c.543_547del on transcript NM_000232.5 (MANE Select); coding-DNA positions 543 to 547, 5 bases deleted (CACAG; older notation c.543_547delCACAG).
Protein change: p.Ser181fs; shifts the reading frame from serine 181.
Molecular consequence: frameshift variant.
Genome position (GRCh38, 1-based): chr4:52,028,804-52,028,808, CTGTG deleted on the plus strand (CACAG on the coding strand, the reverse complement: SGCB is on the minus strand); deleting any 5 consecutive bases within chr4:52,028,804-52,028,811 gives the same sequence; the c. name uses the placement nearest the transcript's 3' end. VCF-style (leftmost placement, unchanged base first): chr4-52028803-TCTGTG-T. GRCh37 (hg19) VCF-style: chr4-52894969-TCTGTG-T.
Other names: short protein forms S181fs.
Identifiers: ClinVar variation 2712374 (VCV002712374.3), dbSNP rs2475221695, ClinGen allele CA2697546695.